The following is an entry in ClinVar:

NM_181486.4(TBX5):c.49C>T (p.Pro17Ser)

Gene: TBX5 (T-box transcription factor 5; minus strand). Cytogenetic location: 12q24.21.
Variant type: single nucleotide variant.
Coding change: c.49C>T on transcript NM_181486.4 (MANE Select); coding-DNA position 49, C replaced by T.
Protein change: p.Pro17Ser; replaces proline 17 with serine.
Molecular consequence: missense variant. On other transcripts: intron variant (1).
Genome position (GRCh38, 1-based): chr12:114,403,850, G>A on the plus strand (C>T on the coding strand, the complement: TBX5 is on the minus strand). VCF-style: chr12-114403850-G-A. GRCh37 (hg19) VCF-style: chr12-114841655-G-A.
Other names: c.49C>T, p.Pro17Ser (NM_000192.3); c.-3-1930C>T (NM_080717.4); short protein forms P17S.
Identifiers: ClinVar variation 3453915 (VCV003453915.1).

ClinVar aggregate classification (germline): Uncertain significance (1 of 4 stars; one submission).

Conditions:
Cardiovascular phenotype. Identifiers: MedGen CN230736.

gnomAD v4.1: 6 of 1,613,944 alleles (0.00037%); highest among the groups gnomAD compares: Non-Finnish European, 0.00051%; no homozygotes.

Submission:

Ambry Genetics
Classification: Uncertain significance for Cardiovascular phenotype. Last evaluated: 2024-07-31. Review status: criteria provided, single submitter. Criteria: Ambry Variant Classification Scheme 2023. Collection method: clinical testing. Allele origin: germline.
Comment: The p.P17S variant (also known as c.49C>T), located in coding exon 1 of the TBX5 gene, results from a C to T substitution at nucleotide position 49. The proline at codon 17 is replaced by serine, an amino acid with similar properties. This amino acid position is conserved. In addition, this alteration is predicted to be tolerated by in silico analysis. Based on the available evidence, the clinical significance of this variant remains unclear.